The following is an entry in ClinVar:

ClinVar aggregate classification (germline): Conflicting classifications of pathogenicity. Review status: criteria provided, conflicting classifications (1 of 4 stars). 7 submissions from 7 submitters: Uncertain significance (3); Likely benign (3). 1 of the submissions does not count toward it. Last evaluated 2026-04-01.

Conditions:
RORC-related disorder. Also called: RORC-related condition.
Autosomal recessive mendelian susceptibility to mycobacterial diseases due to complete RORgamma receptor deficiency. Also called: Immunodeficiency 42. Identifiers: Orphanet 477857, MedGen C5567647, MONDO:0014710, OMIM 616622.
Primary ciliary dyskinesia. Also called: Ciliary dyskinesia. Identifiers: Orphanet 244, MedGen C0008780, MONDO:0016575, HP:0012265.

Allele frequency attached by ClinVar (database versions not stated): gnomAD exomes 0.00211 and 0.00282; ExAC 0.00249; ESP Exome Variant Server 0.00254; 1000 Genomes Project 30x 0.00109; 1000 Genomes Project 0.00120; gnomAD 0.00161 and 0.00165; TOPMed 0.00198.
gnomAD v4.1: 4,320 of 1,610,640 alleles (0.27%); highest among the groups gnomAD compares: Non-Finnish European, 0.33%; 11 homozygotes.

Submissions (7):

Department of Human Genetics, Hannover Medical School
Classification: Uncertain significance for Primary Ciliary Dyskinesia. Last evaluated: 2026-04-01. Review status: criteria provided, single submitter. Criteria: ACMG Guidelines, 2015. Collection method: research. Allele origin: germline. Affected: no.
Comment: Classification performed by HerediClassify using the following criteria:['PVS1_protein_strong: Transcript ENST00000318247 is not predicted to undergo NMD. Protein length change of 0.9826254826254827 observed.']

Labcorp Genetics (formerly Invitae), Labcorp
Classification: Likely benign for Autosomal recessive mendelian susceptibility to mycobacterial diseases due to complete RORgamma receptor deficiency. Last evaluated: 2026-01-26. Review status: criteria provided, single submitter. Criteria: Invitae Variant Classification Sherloc (09022015). Collection method: clinical testing. Allele origin: germline.

Blueprint Genetics
Classification: Uncertain significance. Last evaluated: 2024-11-11. Review status: criteria provided, single submitter. Criteria: ACMG Guidelines, 2015. Collection method: clinical testing. Allele origin: germline.

Genomic Medicine Center of Excellence, King Faisal Specialist Hospital and Research Centre
Classification: Likely benign for Autosomal recessive mendelian susceptibility to mycobacterial diseases due to complete RORgamma receptor deficiency. Last evaluated: 2024-04-04. Review status: criteria provided, single submitter. Criteria: ACMG Guidelines, 2015. Collection method: clinical testing. Allele origin: germline.

Department of Pathology and Laboratory Medicine, Sinai Health System
Classification: Uncertain significance for Autosomal recessive mendelian susceptibility to mycobacterial diseases due to complete RORgamma receptor deficiency. Last evaluated: 2023-10-19. Review status: criteria provided, single submitter. Criteria: ACMG Guidelines, 2015. Collection method: research. Allele origin: germline.

Fulgent Genetics
Classification: Likely benign for Autosomal recessive mendelian susceptibility to mycobacterial diseases due to complete RORgamma receptor deficiency. Last evaluated: 2021-11-16. Review status: criteria provided, single submitter. Criteria: ACMG Guidelines, 2015. Collection method: clinical testing. Allele origin: unknown.

PreventionGenetics, part of Exact Sciences
Classification: Likely benign for RORC-related condition. Last evaluated: 2022-02-24. Review status: no assertion criteria provided. Collection method: clinical testing. Allele origin: germline. Not counted in ClinVar's aggregate classification.
Comment: This variant is classified as likely benign based on ACMG/AMP sequence variant interpretation guidelines (Richards et al. 2015 PMID: 25741868, with internal and published modifications).

NM_005060.4(RORC):c.28C>T (p.Arg10Ter)

Gene: RORC (RAR related orphan receptor C; minus strand). Cytogenetic location: 1q21.3.
Variant type: single nucleotide variant.
Coding change: c.28C>T on transcript NM_005060.4 (MANE Select); coding-DNA position 28, C replaced by T.
Protein change: p.Arg10Ter; replaces arginine 10 with a stop codon.
Molecular consequence: nonsense.
Genome position (GRCh38, 1-based): chr1:151,831,737, G>A on the plus strand (C>T on the coding strand, the complement: RORC is on the minus strand). VCF-style: chr1-151831737-G-A. GRCh37 (hg19) VCF-style: chr1-151804213-G-A.
Other names: c.28C>T, p.Arg10Ter (LRG_1322t1); short protein forms R10*.
Identifiers: ClinVar variation 475712 (VCV000475712.21), dbSNP rs17582155, ClinGen allele CA1096081.